The following is an entry in ClinVar:

ClinVar aggregate classification (germline): Pathogenic/Likely pathogenic. Review status: criteria provided, multiple submitters, no conflicts (2 of 4 stars). 5 submissions from 4 submitters: Pathogenic (1); Likely pathogenic (4). Last evaluated 2023-11-04.

Conditions:
Usher syndrome type 2A. Also called: USHER SYNDROME, TYPE IIA; RETINAL DISEASE IN USHER SYNDROME TYPE IIA, MODIFIER OF. Identifiers: Orphanet 231178, Orphanet 886, MedGen C1848634, MONDO:0010169, OMIM 276901.
Retinitis pigmentosa 39 (RP39). Identifiers: Orphanet 791, MedGen C3151138, MONDO:0013436, OMIM 613809.

gnomAD v4.1: 3 of 1,614,058 alleles (0.00019%); highest among the groups gnomAD compares: Non-Finnish European, 0.00025%; no homozygotes.

Submissions (5):

Genome-Nilou Lab
Classification: Likely pathogenic for Retinitis pigmentosa 39. Last evaluated: 2023-11-04. Review status: criteria provided, single submitter. Criteria: ACMG Guidelines, 2015. Collection method: clinical testing. Allele origin: germline. Affected: no.

Genome-Nilou Lab
Classification: Likely pathogenic for Usher syndrome type 2A. Last evaluated: 2023-11-04. Review status: criteria provided, single submitter. Criteria: ACMG Guidelines, 2015. Collection method: clinical testing. Allele origin: germline. Affected: no.

Labcorp Genetics (formerly Invitae), Labcorp
Classification: Pathogenic. Last evaluated: 2022-08-10. Review status: criteria provided, single submitter. Criteria: Invitae Variant Classification Sherloc (09022015). Collection method: clinical testing. Allele origin: germline.
Comment: This sequence change creates a premature translational stop signal (p.Ser2044*) in the USH2A gene. It is expected to result in an absent or disrupted protein product. Loss-of-function variants in USH2A are known to be pathogenic (PMID: 10729113, 10909849, 20507924, 25649381). This variant is not present in population databases (gnomAD no frequency). This variant has not been reported in the literature in individuals affected with USH2A-related conditions. ClinVar contains an entry for this variant (Variation ID: 1074779). For these reasons, this variant has been classified as Pathogenic.

Fulgent Genetics
Classification: Likely pathogenic for Usher syndrome type 2A; Retinitis pigmentosa 39. Last evaluated: 2022-03-02. Review status: criteria provided, single submitter. Criteria: ACMG Guidelines, 2015. Collection method: clinical testing. Allele origin: unknown.

Baylor Genetics
Classification: Likely pathogenic for Retinitis pigmentosa 39. Last evaluated: 2022-01-03. Review status: criteria provided, single submitter. Criteria: ACMG Guidelines, 2015. Collection method: clinical testing. Allele origin: unknown.

Literature cited by the submitters: PubMed 10729113 (cited by Labcorp Genetics (formerly Invitae), Labcorp); PubMed 10909849 (cited by Labcorp Genetics (formerly Invitae), Labcorp); PubMed 20507924 (cited by Labcorp Genetics (formerly Invitae), Labcorp); PubMed 25649381 (cited by Labcorp Genetics (formerly Invitae), Labcorp).

NM_206933.4(USH2A):c.6131C>A (p.Ser2044Ter)

Gene: USH2A (usherin; minus strand). Cytogenetic location: 1q41.
Variant type: single nucleotide variant.
Coding change: c.6131C>A on transcript NM_206933.4 (MANE Select); coding-DNA position 6131, C replaced by A.
Protein change: p.Ser2044Ter; replaces serine 2044 with a stop codon.
Molecular consequence: nonsense.
Genome position (GRCh38, 1-based): chr1:216,048,566, G>T on the plus strand (C>A on the coding strand, the complement: USH2A is on the minus strand). VCF-style: chr1-216048566-G-T. GRCh37 (hg19) VCF-style: chr1-216221908-G-T.
Other names: short protein forms S2044*.
Identifiers: ClinVar variation 1074779 (VCV001074779.9), dbSNP rs1209837469, ClinGen allele CA344859450.